The following is an entry in ClinVar:

NM_001376.5(DYNC1H1):c.874C>T (p.Arg292Trp)

Gene: DYNC1H1 (dynein cytoplasmic 1 heavy chain 1; plus strand). Cytogenetic location: 14q32.31.
Variant type: single nucleotide variant.
Coding change: c.874C>T on transcript NM_001376.5 (MANE Select); coding-DNA position 874, C replaced by T.
Protein change: p.Arg292Trp; replaces arginine 292 with tryptophan.
Molecular consequence: missense variant.
Genome position (GRCh38, 1-based): chr14:101,980,463, C>T. VCF-style: chr14-101980463-C-T. GRCh37 (hg19) VCF-style: chr14-102446800-C-T.
Other names: DYNC1H; short protein forms R292W.
Identifiers: ClinVar variation 800542 (VCV000800542.15), dbSNP rs2047850664, ClinGen allele CA391010039.
Genomic context (GRCh38, chr14:101,980,463, plus strand): 5'-TTACAGGAAATTAGTTTTTGGCTAAACTTGGAACGTGCGTTATACCGCATCCAGGAGAAA[C>T]GGGAGAGCCCGGAAGTTCTCCTGACTCTGGATATCTTGAAACATGGCAAGCGCTTCCATG-3'
Protein context (NP_001367.2, residues 282-302): ERALYRIQEK[Arg292Trp]ESPEVLLTLD

ClinVar aggregate classification (germline): Pathogenic. Review status: criteria provided, multiple submitters, no conflicts (2 of 4 stars). 5 submissions from 5 submitters: Pathogenic (4). 1 of the submissions does not count toward it. Last evaluated 2026-03-25.

Conditions:
Cortical dysplasia, complex, with other brain malformations 13. Also called: Intellectual disability, autosomal dominant 13. Identifiers: MedGen C3281202, MONDO:0013805, OMIM 614563.
Charcot-Marie-Tooth disease axonal type 2O. Also called: CHARCOT-MARIE-TOOTH NEUROPATHY, AXONAL, TYPE 2O; CHARCOT-MARIE-TOOTH DISEASE, AXONAL, AUTOSOMAL DOMINANT, TYPE 2O; Charcot-Marie-Tooth Neuropathy Type 2O; Charcot-Marie-Tooth disease, axonal, type 20. Identifiers: Orphanet 284232, MedGen C3280220, MONDO:0013644, OMIM 614228.
Inborn genetic diseases. Identifiers: MedGen C0950123, MeSH D030342.

Submissions (5):

Institute of Human Genetics, University of Leipzig Medical Center
Classification: Pathogenic for Cortical dysplasia, complex, with other brain malformations 13. Last evaluated: 2026-03-25. Review status: criteria provided, single submitter. Criteria: ACMG Guidelines, 2015. Collection method: clinical testing. Allele origin: unknown. Inheritance: Autosomal dominant inheritance. Affected: yes.
Comment: Criteria applied: PS2_VSTR,PS4_MOD,PM2,PP2

Ambry Genetics
Classification: Pathogenic for Inborn genetic diseases. Last evaluated: 2024-09-10. Review status: criteria provided, single submitter. Criteria: Ambry Variant Classification Scheme 2023. Collection method: clinical testing. Allele origin: germline.
Comment: The p.R292W pathogenic variant (also known as c.874C>T), located in coding exon 5 of the DYNC1H1 gene, results from a C to T substitution at nucleotide position 874. The arginine at codon 292 is replaced by tryptophan, an amino acid with dissimilar properties. This variant has been determined to be the result of a de novo mutation or germline mosaicism in individuals with features consistent with DYNC1H1-related neurodevelopmental disorder (Benson KA et al. Eur J Hum Genet, 2020 Aug;28:1066-1077; Su T et al. Mol Genet Genomic Med, 2022 Mar;10:e1874). This amino acid position is highly conserved in available vertebrate species. In addition, this alteration is predicted to be deleterious by in silico analysis. This missense alteration is located in a region that has a low rate of benign missense variation (Lek M et al. Nature. 2016 Aug 18;536(7616):285-91; DECIPHER: Database of Chromosomal Imbalance and Phenotype in Humans using Ensembl Resources. Firth H.V. et al. 2009. Am.J.Hum.Genet. 84, 524-533 (DOI)). Based on the supporting evidence, this variant is interpreted as a disease-causing mutation.

Labcorp Genetics (formerly Invitae), Labcorp
Classification: Pathogenic for Charcot-Marie-Tooth disease axonal type 2O. Last evaluated: 2023-10-13. Review status: criteria provided, single submitter. Criteria: Invitae Variant Classification Sherloc (09022015). Collection method: clinical testing. Allele origin: germline.
Comment: This sequence change replaces arginine, which is basic and polar, with tryptophan, which is neutral and slightly polar, at codon 292 of the DYNC1H1 protein (p.Arg292Trp). This variant is not present in population databases (gnomAD no frequency). This missense change has been observed in individual(s) with clinical features of DYNC1H1-related intellectual disability syndrome with cortical brain malformations (PMID: 32238909, 35099838). In at least one individual the variant was observed to be de novo. ClinVar contains an entry for this variant (Variation ID: 800542). Advanced modeling of protein sequence and biophysical properties (such as structural, functional, and spatial information, amino acid conservation, physicochemical variation, residue mobility, and thermodynamic stability) performed at Invitae indicates that this missense variant is expected to disrupt DYNC1H1 protein function. For these reasons, this variant has been classified as Pathogenic.

Cavalleri Lab, Royal College of Surgeons in Ireland
Classification: Pathogenic for Cortical dysplasia, complex, with other brain malformations 13. Last evaluated: 2019-12-11. Review status: criteria provided, single submitter. Criteria: ACMG Guidelines, 2015. Collection method: research. Allele origin: de novo. Inheritance: Sporadic. Affected: yes. Observed: 1 heterozygote.
Comment: DYNCH1H1 variant is assumed to be pathogenic and probably causative for the clinical features of the patient. ACMG evidences- PS2, PM2, PP2, PP3.

Tongji Hospital, Huazhong University of Science and Technology
Classification: Pathogenic for Mental retardation, autosomal dominant 13. Review status: no assertion criteria provided. Collection method: clinical testing. Allele origin: de novo. Inheritance: Sporadic. Affected: yes. Observed: 1 heterozygote. Not counted in ClinVar's aggregate classification.

Literature cited by the submitters: PubMed 32238909 (cited by 3 submitters); PubMed 35099838 (cited by Ambry Genetics and Labcorp Genetics (formerly Invitae), Labcorp).